The following is an entry in ClinVar:

NM_001611.5(ACP5):c.433C>T (p.Gln145Ter)

Gene: ACP5 (acid phosphatase 5, tartrate resistant; minus strand). Cytogenetic location: 19p13.2.
Variant type: single nucleotide variant.
Coding change: c.433C>T on transcript NM_001611.5 (MANE Select); coding-DNA position 433, C replaced by T.
Protein change: p.Gln145Ter; replaces glutamine 145 with a stop codon.
Molecular consequence: nonsense.
Genome position (GRCh38, 1-based): chr19:11,576,545, G>A on the plus strand (C>T on the coding strand, the complement: ACP5 is on the minus strand). VCF-style: chr19-11576545-G-A. GRCh37 (hg19) VCF-style: chr19-11687360-G-A.
Other names: c.433C>T, p.Gln145Ter (NM_001111034.3, NM_001111035.3, NM_001111036.3 and 1 more transcripts); short protein forms Q145*.
Identifiers: ClinVar variation 2585383 (VCV002585383.1), dbSNP rs2512727138, ClinGen allele CA404147089.

ClinVar aggregate classification (germline): Uncertain significance (1 of 4 stars; one submission).

Conditions:
Spondyloenchondrodysplasia with immune dysregulation (SPENCDI). Also called: SPONDYLOENCHONDRODYSPLASIA WITH OR WITHOUT IMMUNE DYSREGULATION; ROIFMAN IMMUNOSKELETAL SYNDROME; COMBINED IMMUNODEFICIENCY WITH AUTOIMMUNITY AND SPONDYLOMETAPHYSEAL DYSPLASIA. Identifiers: Orphanet 1855, MedGen C1842763, MONDO:0011939, OMIM 607944.

Allele frequency attached by ClinVar (database versions not stated): gnomAD exomes below 0.00001.

Submission:

Neuberg Centre For Genomic Medicine, NCGM
Classification: Uncertain significance for Spondyloenchondrodysplasia with immune dysregulation. Review status: criteria provided, single submitter. Criteria: ACMG Guidelines, 2015. Collection method: clinical testing. Allele origin: germline. Inheritance: Autosomal recessive inheritance. Affected: yes.
Comment: The stop gained p.Q145* in ACP5 (NM_001111035.3) has not been reported previously as a pathogenic variant nor as a benign variant, to our knowledge. The p.Q145* variant is novel (not in any individuals) in gnomAD Exomes and is novel (not in any individuals) in 1000 Genomes. The nucleotide change in ACP5 is predicted as conserved by GERP++ and PhyloP across 100 vertebrates. Since the variant is present in the last exon it is classified as Variant of Uncertain Significance (VUS). Functional studies will be required to prove protein truncation and loss of function. For these reasons, this variant has been classified as Uncertain Significance.